The following is an entry in ClinVar:

NM_015046.7(SETX):c.351A>G (p.Ile117Met)

Gene: SETX (senataxin; minus strand). Cytogenetic location: 9q34.13.
Variant type: single nucleotide variant.
Coding change: c.351A>G on transcript NM_015046.7 (MANE Select); coding-DNA position 351, A replaced by G.
Protein change: p.Ile117Met; replaces isoleucine 117 with methionine.
Molecular consequence: missense variant.
Genome position (GRCh38, 1-based): chr9:132,346,298, T>C on the plus strand (A>G on the coding strand, the complement: SETX is on the minus strand). VCF-style: chr9-132346298-T-C. GRCh37 (hg19) VCF-style: chr9-135221685-T-C.
Other names: c.351A>G, p.Ile117Met (NM_001351527.2, NM_001351528.2); short protein forms I117M.
Identifiers: ClinVar variation 3571938 (VCV003571938.1).

ClinVar aggregate classification (germline): Uncertain significance (1 of 4 stars; one submission).

gnomAD v4.1: 2 of 1,613,948 alleles (0.00012%); highest among the groups gnomAD compares: East Asian, 0.0045%; no homozygotes.

Submission:

Athena Diagnostics
Classification: Uncertain significance. Last evaluated: 2024-02-23. Review status: criteria provided, single submitter. Criteria: Athena Diagnostics Criteria. Collection method: clinical testing. Allele origin: unknown.
Comment: Available data are insufficient to determine the clinical significance of the variant at this time. The frequency of this variant in the general population is uninformative in assessment of its pathogenicity. Computational tools disagree on the variant's effect on normal protein function.